The following is an entry in ClinVar:

ClinVar aggregate classification (germline): Uncertain significance (1 of 4 stars; one submission).

Allele frequency attached by ClinVar (database versions not stated): ExAC 0.00001; gnomAD exomes 0.00002; gnomAD 0.00003; TOPMed 0.00003.
gnomAD v4.1: 31 of 1,614,116 alleles (0.0019%); highest among the groups gnomAD compares: African/African-American, 0.0053%; no homozygotes.

Submission:

Labcorp Genetics (formerly Invitae), Labcorp
Classification: Uncertain significance. Last evaluated: 2023-06-20. Review status: criteria provided, single submitter. Criteria: Invitae Variant Classification Sherloc (09022015). Collection method: clinical testing. Allele origin: germline.
Comment: In summary, the available evidence is currently insufficient to determine the role of this variant in disease. Therefore, it has been classified as a Variant of Uncertain Significance. This sequence change replaces glycine, which is neutral and non-polar, with arginine, which is basic and polar, at codon 1511 of the FBN3 protein (p.Gly1511Arg). This variant is present in population databases (rs375346374, gnomAD 0.004%). This variant has not been reported in the literature in individuals affected with FBN3-related conditions. Advanced modeling of protein sequence and biophysical properties (such as structural, functional, and spatial information, amino acid conservation, physicochemical variation, residue mobility, and thermodynamic stability) performed at Invitae indicates that this missense variant is expected to disrupt FBN3 protein function. Algorithms developed to predict the effect of sequence changes on RNA splicing suggest that this variant may disrupt the consensus splice site.

NM_032447.5(FBN3):c.4531G>A (p.Gly1511Arg)

Gene: FBN3 (fibrillin 3; minus strand). Cytogenetic location: 19p13.2.
Variant type: single nucleotide variant.
Coding change: c.4531G>A on transcript NM_032447.5 (MANE Select); coding-DNA position 4531, G replaced by A.
Protein change: p.Gly1511Arg; replaces glycine 1511 with arginine.
Molecular consequence: missense variant.
Genome position (GRCh38, 1-based): chr19:8,109,314, C>T on the plus strand (G>A on the coding strand, the complement: FBN3 is on the minus strand). VCF-style: chr19-8109314-C-T. GRCh37 (hg19) VCF-style: chr19-8174198-C-T.
Other names: c.4531G>A, p.Gly1511Arg (NM_001321431.2); short protein forms G1511R.
Identifiers: ClinVar variation 2915571 (VCV002915571.3), dbSNP rs375346374, ClinGen allele CA9152012.
Genomic context (GRCh38, chr19:8,109,314, plus strand): 5'-AGGGATTGCCCCAAGCCCGGCCCAGGGAGCAACAGCAGGAAGCTCGGGTGACACCAACTC[C>T]GATCTCGGCACTGCAGGAAATGCCACTGTCCCCTCGGTCATGCGTCTCCAGGAAACAGTT-3'
Protein context (NP_115823.3, residues 1501-1521): DSGISCSAEI[Gly1511Arg]VGVTRASCCC